The following is an entry in ClinVar:

NM_000170.3(GLDC):c.2948G>A (p.Trp983Ter)

Gene: GLDC (glycine decarboxylase; minus strand). Cytogenetic location: 9p24.1.
Variant type: single nucleotide variant.
Coding change: c.2948G>A on transcript NM_000170.3 (MANE Select); coding-DNA position 2948, G replaced by A.
Protein change: p.Trp983Ter; replaces tryptophan 983 with a stop codon.
Molecular consequence: nonsense.
Genome position (GRCh38, 1-based): chr9:6,533,132, C>T on the plus strand (G>A on the coding strand, the complement: GLDC is on the minus strand). VCF-style: chr9-6533132-C-T. GRCh37 (hg19) VCF-style: chr9-6533132-C-T.
Other names: short protein forms W983*.
Identifiers: ClinVar variation 557977 (VCV000557977.4), dbSNP rs1554641519, ClinGen allele CA372881726.

ClinVar aggregate classification (germline): Pathogenic. Review status: criteria provided, single submitter (1 of 4 stars). 2 submissions from 2 submitters: Pathogenic (1). 1 of the submissions does not count toward it. Last evaluated 2024-03-22.

Conditions:
Glycine encephalopathy 1 (GCE1). Identifiers: MedGen CN376801, MONDO:0958179, OMIM 605899.
Glycine encephalopathy. Also called: Non-ketotic hyperglycinemia; Nonketotic hyperglycinemia. Identifiers: Orphanet 407, MedGen C0751748, MONDO:0011612, HP:0008288.

Submissions (2):

Labcorp Genetics (formerly Invitae), Labcorp
Classification: Pathogenic for Glycine encephalopathy. Last evaluated: 2024-03-22. Review status: criteria provided, single submitter. Criteria: Invitae Variant Classification Sherloc (09022015). Collection method: clinical testing. Allele origin: germline.
Comment: This sequence change creates a premature translational stop signal (p.Trp983*) in the GLDC gene. While this is not anticipated to result in nonsense mediated decay, it is expected to disrupt the last 38 amino acid(s) of the GLDC protein. This variant is not present in population databases (gnomAD no frequency). This variant has not been reported in the literature in individuals affected with GLDC-related conditions. ClinVar contains an entry for this variant (Variation ID: 557977). This variant disrupts a region of the GLDC protein in which other variant(s) (p.Cys1002Trp) have been determined to be pathogenic (PMID: 29046206). This suggests that this is a clinically significant region of the protein, and that variants that disrupt it are likely to be disease-causing. For these reasons, this variant has been classified as Pathogenic.

Counsyl
Classification: Uncertain significance for Glycine encephalopathy 1. Last evaluated: 2018-04-19. Review status: no assertion criteria provided. Collection method: clinical testing. Allele origin: unknown. Not counted in ClinVar's aggregate classification.

Literature cited by the submitters: PubMed 29046206 (cited by Labcorp Genetics (formerly Invitae), Labcorp).